The following is an entry in ClinVar:

NM_003579.4(RAD54L):c.1328G>C (p.Ser443Thr)

Gene: RAD54L (RAD54 like; plus strand). Cytogenetic location: 1p34.1.
Variant type: single nucleotide variant.
Coding change: c.1328G>C on transcript NM_003579.4 (MANE Select); coding-DNA position 1328, G replaced by C.
Protein change: p.Ser443Thr; replaces serine 443 with threonine.
Molecular consequence: missense variant.
Genome position (GRCh38, 1-based): chr1:46,272,755, G>C. VCF-style: chr1-46272755-G-C. GRCh37 (hg19) VCF-style: chr1-46738427-G-C.
Other names: c.1328G>C, p.Ser443Thr (NM_001142548.2); c.788G>C, p.Ser263Thr (NM_001370766.1); short protein forms S443T, S263T.
Identifiers: ClinVar variation 1770057 (VCV001770057.3), dbSNP rs1477132296, ClinGen allele CA340179650.
Genomic context (GRCh38, chr1:46,272,755, plus strand): 5'-TATACAAGAGGTTTCTGAGACAAGCCAAACCGGCAGAAGAATTGCTTGAGGGCAAGATGA[G>C]TGTGTCTTCCCTTTCTTCCATCACCTCGCTAAAGAAGCTTTGTAATCGTGAGTTGGGCTT-3'
Protein context (NP_003570.2, residues 433-453): PAEELLEGKM[Ser443Thr]VSSLSSITSL

ClinVar aggregate classification (germline): Uncertain significance. Review status: criteria provided, multiple submitters, no conflicts (2 of 4 stars). 2 submissions from 2 submitters: Uncertain significance (2). Last evaluated 2024-01-01.

Conditions:
Familial cancer of breast. Also called: BREAST CANCER, FAMILIAL; hereditary breast carcinoma; Hereditary breast cancer. Identifiers: Orphanet 227535, MedGen C0346153, MONDO:0016419, OMIM 114480. Disease mechanism: loss of function.

Allele frequency attached by ClinVar (database versions not stated): TOPMed 0.00001.
gnomAD v4.1: 1 of 1,614,188 alleles (0.000062%); highest among the groups gnomAD compares: South Asian, 0.0011%; no homozygotes.

Submissions (2):

Ambry Genetics
Classification: Uncertain significance. Last evaluated: 2024-01-01. Review status: criteria provided, single submitter. Criteria: Ambry Variant Classification Scheme 2023. Collection method: clinical testing. Allele origin: germline.
Comment: The p.S443T variant (also known as c.1328G>C), located in coding exon 12 of the RAD54L gene, results from a G to C substitution at nucleotide position 1328. The serine at codon 443 is replaced by threonine, an amino acid with similar properties. This amino acid position is conserved. In addition, this alteration is predicted to be tolerated by in silico analysis. Since supporting evidence is limited at this time, the clinical significance of this alteration remains unclear.

Neuberg Centre For Genomic Medicine, NCGM
Classification: Uncertain significance for Familial cancer of breast. Last evaluated: 2023-06-22. Review status: criteria provided, single submitter. Criteria: ACMG Guidelines, 2015. Collection method: clinical testing. Allele origin: germline. Inheritance: Autosomal dominant inheritance. Affected: yes.
Comment: The observed missense c.1328G>C (p.Ser443Thr) variant in RAD54L gene has not been reported previously as a pathogenic variant nor as a benign variant, to our knowledge. The p.Ser443Thr variant is absent in gnomAD Exomes. This variant has been submitted to the ClinVar database as Uncertain Significance. Computational evidence (Polyphen - Benign , SIFT - Tolerated and MutationTaster - Disease causing) predicts conflicting evidence on protein structure and function for this variant. The reference amino acid of p.Ser443Thr in RAD54L is predicted as conserved by GERP++ and PhyloP across 100 vertebrates. The amino acid Ser at position 443 is changed to a Thr changing protein sequence and it might alter its composition and physico-chemical properties. For these reasons, this variant has been classified as Variant of Uncertain Significance (VUS).